The following is an entry in ClinVar:

NM_001165963.4(SCN1A):c.398T>C (p.Leu133Pro)

Gene: SCN1A (sodium voltage-gated channel alpha subunit 1; minus strand). Cytogenetic location: 2q24.3.
Variant type: single nucleotide variant.
Coding change: c.398T>C on transcript NM_001165963.4 (MANE Select); coding-DNA position 398, T replaced by C.
Protein change: p.Leu133Pro; replaces leucine 133 with proline.
Molecular consequence: missense variant. On other transcripts: 5 prime UTR variant (1), non-coding transcript variant (1).
Genome position (GRCh38, 1-based): chr2:166,056,486, A>G on the plus strand (T>C on the coding strand, the complement: SCN1A is on the minus strand). VCF-style: chr2-166056486-A-G. GRCh37 (hg19) VCF-style: chr2-166912996-A-G.
Other names: c.398T>C, p.Leu133Pro (NM_001165964.3, NM_001202435.3, NM_001353948.2 and 10 more transcripts); c.-2028T>C (NM_001353961.2); short protein forms L133P.
Identifiers: ClinVar variation 2705922 (VCV002705922.3), dbSNP rs1131691440, ClinGen allele CA349076124.

ClinVar aggregate classification (germline): Pathogenic (1 of 4 stars; one submission).

Conditions:
Early-infantile DEE. Also called: Ohtahara syndrome; Early infantile epileptic encephalopathy with suppression bursts; Early infantile epileptic encephalopathy. Identifiers: Orphanet 1934, MedGen C0393706, MONDO:0800491.

Submission:

Labcorp Genetics (formerly Invitae), Labcorp
Classification: Pathogenic for Early-infantile DEE. Last evaluated: 2026-01-23. Review status: criteria provided, single submitter. Criteria: Invitae Variant Classification Sherloc (09022015). Collection method: clinical testing. Allele origin: germline.
Comment: This sequence change replaces leucine, which is neutral and non-polar, with proline, which is neutral and non-polar, at codon 133 of the SCN1A protein (p.Leu133Pro). This variant is not present in population databases (gnomAD no frequency). This missense change has been observed in individual(s) with SCN1A-related condition (internal data). In at least one individual the variant was observed to be de novo. ClinVar contains an entry for this variant (Variation ID: 2705922). Invitae Evidence Modeling of protein sequence and biophysical properties (such as structural, functional, and spatial information, amino acid conservation, physicochemical variation, residue mobility, and thermodynamic stability) indicates that this missense variant is expected to disrupt SCN1A protein function with a positive predictive value of 95%. For these reasons, this variant has been classified as Pathogenic.